The following is an entry in ClinVar:

NM_000179.3(MSH6):c.2615T>A (p.Ile872Lys)

Gene: MSH6 (mutS homolog 6; plus strand). Cytogenetic location: 2p16.3.
Variant type: single nucleotide variant.
Coding change: c.2615T>A on transcript NM_000179.3 (MANE Select); coding-DNA position 2615, T replaced by A.
Protein change: p.Ile872Lys; replaces isoleucine 872 with lysine.
Molecular consequence: missense variant.
Genome position (GRCh38, 1-based): chr2:47,800,598, T>A. VCF-style: chr2-47800598-T-A. GRCh37 (hg19) VCF-style: chr2-48027737-T-A.
Other names: c.2225T>A, p.Ile742Lys (NM_001281492.2); c.1709T>A, p.Ile570Lys (NM_001281493.2, NM_001281494.2); short protein forms I872K, I570K, I742K.
Identifiers: ClinVar variation 479923 (VCV000479923.15), dbSNP rs1064793342, ClinGen allele CA346755003.

ClinVar aggregate classification (germline): Uncertain significance. Review status: criteria provided, multiple submitters, no conflicts (2 of 4 stars). 3 submissions from 3 submitters: Uncertain significance (3). Last evaluated 2025-06-10.

Conditions:
Hereditary nonpolyposis colorectal neoplasms. Identifiers: MedGen C0009405, MeSH D003123.
Hereditary cancer-predisposing syndrome. Also called: Hereditary Cancer Syndrome; Neoplastic Syndromes, Hereditary; Tumor predisposition; Hereditary neoplastic syndrome. Identifiers: Orphanet 140162, MedGen C0027672, MeSH D009386, MONDO:0015356.

gnomAD v4.1: 1 of 1,614,186 alleles (0.000062%); highest among the groups gnomAD compares: Non-Finnish European, 0.000085%; no homozygotes.

Submissions (3):

Labcorp Genetics (formerly Invitae), Labcorp
Classification: Uncertain significance for Hereditary nonpolyposis colorectal neoplasms. Last evaluated: 2025-06-10. Review status: criteria provided, single submitter. Criteria: Invitae Variant Classification Sherloc (09022015). Collection method: clinical testing. Allele origin: germline.
Comment: This sequence change replaces isoleucine, which is neutral and non-polar, with lysine, which is basic and polar, at codon 872 of the MSH6 protein (p.Ile872Lys). This variant is not present in population databases (gnomAD no frequency). This variant has not been reported in the literature in individuals affected with MSH6-related conditions. ClinVar contains an entry for this variant (Variation ID: 479923). Invitae Evidence Modeling of protein sequence and biophysical properties (such as structural, functional, and spatial information, amino acid conservation, physicochemical variation, residue mobility, and thermodynamic stability) indicates that this missense variant is not expected to disrupt MSH6 protein function with a negative predictive value of 95%. In summary, the available evidence is currently insufficient to determine the role of this variant in disease. Therefore, it has been classified as a Variant of Uncertain Significance.

Institute for Biomarker Research, Medical Diagnostic Laboratories, L.L.C.
Classification: Uncertain significance for Hereditary cancer-predisposing syndrome. Last evaluated: 2023-02-14. Review status: criteria provided, single submitter. Criteria: ACMG Guidelines, 2015. Collection method: clinical testing. Allele origin: germline.

Ambry Genetics
Classification: Uncertain significance for Hereditary cancer-predisposing syndrome. Last evaluated: 2016-08-26. Review status: criteria provided, single submitter. Criteria: Ambry Variant Classification Scheme 2023. Collection method: clinical testing. Allele origin: germline.
Comment: The p.I872K variant (also known as c.2615T>A), located in coding exon 4 of the MSH6 gene, results from a T to A substitution at nucleotide position 2615. The isoleucine at codon 872 is replaced by lysine, an amino acid with dissimilar properties. This variant was not reported in population based cohorts in the following databases: Database of Single Nucleotide Polymorphisms (dbSNP), NHLBI Exome Sequencing Project (ESP), and 1000 Genomes Project. In the ESP, this variant was not observed in 6503 samples (13006 alleles) with coverage at this position. To date, this alteration has been detected with an allele frequency of approximately 0.001% (greater than 150000 alleles tested) in our clinical cohort. This amino acid position is not well conserved in available vertebrate species. In addition, the in silico prediction for this alteration is inconclusive. In addition, the CoDP in silico tool predicts this alteration to have minor impact on molecular function, with a score of 0.059 (Terui H et al. J. Biomed. Sci. 2013;20:25). Since supporting evidence is limited at this time, the clinical significance of this alteration remains unclear.